The following is an entry in ClinVar:

ClinVar aggregate classification (germline): Uncertain significance (1 of 4 stars; one submission).

Conditions:
Muscular dystrophy-dystroglycanopathy (congenital with impaired intellectual development), type B, 2. Also called: MUSCULAR DYSTROPHY, CONGENITAL, POMT2-RELATED; Muscular dystrophy-dystroglycanopathy (congenital with intellectual disability), type B2. Identifiers: MedGen C3150416, MONDO:0013160, OMIM 613156.
Muscular dystrophy-dystroglycanopathy (congenital with brain and eye anomalies), type A2. Also called: MUSCULAR DYSTROPHY-DYSTROGLYCANOPATHY (CONGENITAL WITH BRAIN AND EYE ANOMALIES), TYPE A, 2; WALKER-WARBURG SYNDROME OR MUSCLE-EYE-BRAIN DISEASE, POMT2-RELATED. Identifiers: Orphanet 588, Orphanet 899, MedGen C3150411, MONDO:0013154, OMIM 613150.
Autosomal recessive limb-girdle muscular dystrophy type 2N. Also called: MUSCULAR DYSTROPHY-DYSTROGLYCANOPATHY, LIMB-GIRDLE, POMT2-RELATED; Muscular dystrophy-dystroglycanopathy (limb-girdle), type C, 2. Identifiers: Orphanet 206559, MedGen C3150418, MONDO:0013162, OMIM 613158.

Allele frequency attached by ClinVar (database versions not stated): TOPMed below 0.00001; gnomAD exomes below 0.00001; gnomAD 0.00001.
gnomAD v4.1: 6 of 1,613,856 alleles (0.00037%); highest among the groups gnomAD compares: South Asian, 0.0011%; no homozygotes.

Submission:

Labcorp Genetics (formerly Invitae), Labcorp
Classification: Uncertain significance for Muscular dystrophy-dystroglycanopathy (congenital with impaired intellectual development), type B, 2; Muscular dystrophy-dystroglycanopathy (congenital with brain and eye anomalies), type A2; Autosomal recessive limb-girdle muscular dystrophy type 2N. Last evaluated: 2025-08-18. Review status: criteria provided, single submitter. Criteria: Invitae Variant Classification Sherloc (09022015). Collection method: clinical testing. Allele origin: germline.
Comment: This sequence change replaces isoleucine, which is neutral and non-polar, with valine, which is neutral and non-polar, at codon 411 of the POMT2 protein (p.Ile411Val). This variant is not present in population databases (gnomAD no frequency). This variant has not been reported in the literature in individuals affected with POMT2-related conditions. ClinVar contains an entry for this variant (Variation ID: 1979702). Invitae Evidence Modeling of protein sequence and biophysical properties (such as structural, functional, and spatial information, amino acid conservation, physicochemical variation, residue mobility, and thermodynamic stability) indicates that this missense variant is not expected to disrupt POMT2 protein function with a negative predictive value of 95%. In summary, the available evidence is currently insufficient to determine the role of this variant in disease. Therefore, it has been classified as a Variant of Uncertain Significance.

NM_013382.7(POMT2):c.1231A>G (p.Ile411Val)

Gene: POMT2 (protein O-mannosyltransferase 2; minus strand). Cytogenetic location: 14q24.3.
Variant type: single nucleotide variant.
Coding change: c.1231A>G on transcript NM_013382.7 (MANE Select); coding-DNA position 1231, A replaced by G.
Protein change: p.Ile411Val; replaces isoleucine 411 with valine.
Molecular consequence: missense variant.
Genome position (GRCh38, 1-based): chr14:77,288,784, T>C on the plus strand (A>G on the coding strand, the complement: POMT2 is on the minus strand). VCF-style: chr14-77288784-T-C. GRCh37 (hg19) VCF-style: chr14-77755127-T-C.
Other names: short protein forms I411V.
Identifiers: ClinVar variation 1979702 (VCV001979702.4), dbSNP rs1272724709, ClinGen allele CA390518290.
Genomic context (GRCh38, chr14:77,288,784, plus strand): 5'-CCGTACCATTTATTTATCCAAACTGCAAATTGACTTACTCTTTGTGTTCTAGTCGAATAA[T>C]GTCTCCATGTCTTACAAACTCCACTGGGAAGGAAGGGTCTAGGGGATCTGCCAAAAAGAA-3'
Protein context (NP_037514.2, residues 401-421): FPVEFVRHGD[Ile411Val]IRLEHKETSR